The following is an entry in ClinVar:

NM_001190737.2(NFIB):c.93_94del (p.Trp31fs)

Gene: NFIB (nuclear factor I B; minus strand). Cytogenetic location: 9p22.3.
Variant type: Deletion.
Coding change: c.93_94del on transcript NM_001190737.2 (MANE Select); coding-DNA positions 93 to 94, 2 bases deleted (GT; older notation c.93_94delGT).
Protein change: p.Trp31fs; shifts the reading frame from tryptophan 31.
Molecular consequence: frameshift variant. On other transcripts: 5 prime UTR variant (1).
Genome position (GRCh38, 1-based): chr9:14,307,457-14,307,458, AC deleted on the plus strand (GT on the coding strand, the reverse complement: NFIB is on the minus strand). VCF-style (leftmost placement, unchanged base first): chr9-14307456-AAC-A. GRCh37 (hg19) VCF-style: chr9-14307455-AAC-A.
Other names: c.171_172del, p.Trp57fs (NM_001190738.2); c.159_160del, p.Trp53fs (NM_001369458.1, NM_001369459.1, NM_001369462.1 and 1 more transcripts); c.81_82del, p.Trp27fs (NM_001369460.1, NM_001369463.1, NM_001369466.1 and 4 more transcripts); c.93_94del, p.Trp31fs (NM_001369461.1, NM_001369464.1, NM_001369471.1 and 4 more transcripts); c.66_67del, p.Trp22fs (NM_001369465.1, NM_001369467.1, NM_001369476.1); c.-52_-51del (NM_001369469.1); c.78_79del, p.Trp26fs (NM_001369474.1); short protein forms W22fs, W26fs, W27fs, W31fs, W53fs, W57fs.
Identifiers: ClinVar variation 1805131 (VCV001805131.1), dbSNP rs2538994311, ClinGen allele CA2573050704.

ClinVar aggregate classification (germline): Pathogenic (1 of 4 stars; one submission).

Conditions:
Macrocephaly, acquired, with impaired intellectual development. Also called: MACROCEPHALY, ACQUIRED, WITH MENTAL RETARDATION. Identifiers: MedGen C4748993, MONDO:0032658, OMIM 618286.

Submission:

Victorian Clinical Genetics Services, Murdoch Childrens Research Institute
Classification: Pathogenic for Macrocephaly, acquired, with impaired intellectual development. Last evaluated: 2022-02-02. Review status: criteria provided, single submitter. Criteria: ACMG Guidelines, 2015. Collection method: clinical testing. Allele origin: germline. Inheritance: Autosomal dominant inheritance. Affected: yes.
Comment: Based on the classification scheme VCGS_Germline_v1.3.4, this variant is classified as Pathogenic. Following criteria are met: 0102 - Loss of function is a known mechanism of disease in this gene and is associated with acquired macrocephaly with impaired intellectual development (MIM#618286). (I) 0107 - This gene is associated with autosomal dominant disease. (I) 0201 - Variant is predicted to cause nonsense-mediated decay (NMD) and loss of protein (premature termination codon is located at least 54 nucleotides upstream of the final exon-exon junction). (SP) 0251 - This variant is heterozygous. (I) 0301 - Variant is absent from gnomAD (both v2 and v3). (SP) 0702 - Other premature termination variants comparable to the one identified in this case have strong previous evidence for pathogenicity. Seven NMD-predicted variants have been reported as likely pathogenic in ClinVar, and in individuals with intellectual disability and macrocephaly (PMID: 30388402). However, two NMD-predicted variants have been reported as a VUS in affected individuals (DECIPHER, ClinVar), and one as a VUS and likely benign (ClinVar). (SP) 0807 - This variant has no previous evidence of pathogenicity. (I) 0905 - No published segregation evidence has been identified for this variant. (I) 1007 - No published functional evidence has been identified for this variant. (I) Legend: (SP) - Supporting pathogenic, (I) - Information, (SB) - Supporting benign

Literature cited by the submitters: PubMed 30388402.